The following is an entry in ClinVar:

ClinVar aggregate classification (germline): Likely benign. Review status: criteria provided, multiple submitters, no conflicts (2 of 4 stars). 3 submissions from 3 submitters: Likely benign (3). Last evaluated 2025-03-23.

Conditions:
Ataxia-telangiectasia syndrome (AT). Also called: ATAXIA-TELANGIECTASIA, COMPLEMENTATION GROUP A; ATAXIA-TELANGIECTASIA, FRESNO VARIANT; Ataxia-telangiectasia; Ataxia-telangiectasia, complementation group E; LOUIS-BAR SYNDROME; Cerebello-oculocutaneous telangiectasia. Identifiers: Orphanet 100, MedGen C0004135, MONDO:0008840, OMIM 208900.
Familial cancer of breast. Also called: BREAST CANCER, FAMILIAL; Hereditary breast cancer; hereditary breast carcinoma. Identifiers: Orphanet 227535, MedGen C0346153, MONDO:0016419, OMIM 114480. Disease mechanism: loss of function.
Hereditary cancer-predisposing syndrome. Also called: Tumor predisposition; Hereditary Cancer Syndrome; Hereditary neoplastic syndrome; Neoplastic Syndromes, Hereditary. Identifiers: Orphanet 140162, MedGen C0027672, MeSH D009386, MONDO:0015356.

Allele frequency attached by ClinVar (database versions not stated): gnomAD exomes 0.00001; TOPMed below 0.00001.
gnomAD v4.1: 4 of 1,593,202 alleles (0.00025%); highest among the groups gnomAD compares: Non-Finnish European, 0.00034%; no homozygotes.

Submissions (3):

Hereditary Cancer Laboratory, Hospital Universitario 12 de Octubre
Classification: Likely benign for Hereditary cancer-predisposing syndrome. Last evaluated: 2025-03-23. Review status: criteria provided, single submitter. Criteria: ACMG Guidelines, 2015. Collection method: clinical testing. Allele origin: germline.

Labcorp Genetics (formerly Invitae), Labcorp
Classification: Likely benign for Ataxia-telangiectasia syndrome. Last evaluated: 2025-03-03. Review status: criteria provided, single submitter. Criteria: Invitae Variant Classification Sherloc (09022015). Collection method: clinical testing. Allele origin: germline.

Myriad Genetics, Inc.
Classification: Likely benign for Familial cancer of breast. Last evaluated: 2024-06-18. Review status: criteria provided, single submitter. Criteria: Myriad Autosomal Dominant, Autosomal Recessive and X-Linked Classification Criteria (2023). Collection method: clinical testing. Allele origin: unknown.
Comment: This variant is considered likely benign. This variant is intronic and is not expected to impact mRNA splicing.

NM_000051.4(ATM):c.8152-18T>C

Genes: ATM (ATM serine/threonine kinase; plus strand), C11orf65 (chromosome 11 open reading frame 65; minus strand). Cytogenetic location: 11q22.3.
Variant type: single nucleotide variant.
Coding change: c.8152-18T>C on transcript NM_000051.4 (MANE Select); 18 bases into the intron before coding-DNA position 8152, T replaced by C.
Molecular consequence: intron variant.
Genome position (GRCh38, 1-based): chr11:108,335,827, T>C. VCF-style: chr11-108335827-T-C. GRCh37 (hg19) VCF-style: chr11-108206554-T-C.
Other names: c.8152-18T>C (NM_001351834.2); c.641-26756A>G (NM_001330368.2); c.695-535A>G (NM_001351110.2).
Identifiers: ClinVar variation 2955270 (VCV002955270.5), dbSNP rs1591197705, ClinGen allele CA1998812724.